The following is an entry in ClinVar:

NM_022787.4(NMNAT1):c.793dup (p.Val265fs)

Gene: NMNAT1 (nicotinamide nucleotide adenylyltransferase 1; plus strand). Cytogenetic location: 1p36.22.
Variant type: Duplication.
Coding change: c.793dup on transcript NM_022787.4 (MANE Select); coding-DNA position 793, one base duplicated (G; older notation c.793dupG).
Protein change: p.Val265fs; shifts the reading frame from valine 265.
Molecular consequence: frameshift variant.
Genome position (GRCh38, 1-based): chr1:9,982,654, G duplicated; the last of 4 consecutive G bases (chr1:9,982,651-9,982,654); duplicating any one gives the same sequence. VCF-style (leftmost placement, unchanged base first): chr1-9982650-T-TG. GRCh37 (hg19) VCF-style: chr1-10042708-T-TG.
Other names: c.793dup, p.Val265fs (NM_001297778.1); short protein forms V265fs.
Identifiers: ClinVar variation 2191199 (VCV002191199.1), dbSNP rs2522304955, ClinGen allele CA2580062581.

ClinVar aggregate classification (germline): Uncertain significance (1 of 4 stars; one submission).

Conditions:
Leber congenital amaurosis 9 (LCA9). Also called: LCA9 Leber Congenital Amaurosis; LCA 9; Amaurosis congenita of Leber, type 9. Identifiers: Orphanet 65, MedGen C1837873, MONDO:0012056, OMIM 608553.

Submission:

Labcorp Genetics (formerly Invitae), Labcorp
Classification: Uncertain significance for Leber congenital amaurosis 9. Last evaluated: 2022-03-19. Review status: criteria provided, single submitter. Criteria: Invitae Variant Classification Sherloc (09022015). Collection method: clinical testing. Allele origin: germline.
Comment: This sequence change creates a premature translational stop signal (p.Val265Glyfs*14) in the NMNAT1 gene. While this is not anticipated to result in nonsense mediated decay, it is expected to disrupt the last 15 amino acid(s) of the NMNAT1 protein. This variant is not present in population databases (gnomAD no frequency). This variant has not been reported in the literature in individuals affected with NMNAT1-related conditions. This variant disrupts a region of the NMNAT1 protein in which other variant(s) (p.Asn273Asp) have been observed in individuals with NMNAT1-related conditions (PMID: 22842230). This suggests that this is a clinically significant region of the protein, and that variants that disrupt it are likely to be disease-causing. In summary, the available evidence is currently insufficient to determine the role of this variant in disease. Therefore, it has been classified as a Variant of Uncertain Significance.

Literature cited by the submitters: PubMed 22842230.